The following is an entry in ClinVar:

ClinVar aggregate classification (germline): Uncertain significance (1 of 4 stars; one submission).

Allele frequency attached by ClinVar (database versions not stated): gnomAD exomes below 0.00001; gnomAD 0.00003; TOPMed 0.00003.
gnomAD v4.1: 6 of 1,614,048 alleles (0.00037%); highest among the groups gnomAD compares: African/African-American, 0.008%; no homozygotes.

Submission:

Labcorp Genetics (formerly Invitae), Labcorp
Classification: Uncertain significance. Last evaluated: 2021-09-24. Review status: criteria provided, single submitter. Criteria: Invitae Variant Classification Sherloc (09022015). Collection method: clinical testing. Allele origin: germline.
Comment: This sequence change replaces phenylalanine with leucine at codon 138 of the NSMCE3 protein (p.Phe138Leu). The phenylalanine residue is highly conserved and there is a small physicochemical difference between phenylalanine and leucine. This variant is not present in population databases (ExAC no frequency). This variant has not been reported in the literature in individuals with NSMCE3-related conditions. Algorithms developed to predict the effect of missense changes on protein structure and function are either unavailable or do not agree on the potential impact of this missense change (SIFT: "Deleterious"; PolyPhen-2: "Probably Damaging"; Align-GVGD: "Class C15"). In summary, the available evidence is currently insufficient to determine the role of this variant in disease. Therefore, it has been classified as a Variant of Uncertain Significance.

NM_138704.4(NSMCE3):c.414C>A (p.Phe138Leu)

Genes: ENTREP2 (endosomal transmembrane epsin interactor 2; minus strand), NSMCE3 (NSE3 homolog, SMC5-SMC6 complex component; minus strand). Cytogenetic location: 15q13.1.
Variant type: single nucleotide variant.
Coding change: c.414C>A on transcript NM_138704.4 (MANE Select); coding-DNA position 414, C replaced by A.
Protein change: p.Phe138Leu; replaces phenylalanine 138 with leucine.
Molecular consequence: missense variant. On other transcripts: intron variant (5).
Genome position (GRCh38, 1-based): chr15:29,269,292, G>T on the plus strand (C>A on the coding strand, the complement: NSMCE3 is on the minus strand). VCF-style: chr15-29269292-G-T. GRCh37 (hg19) VCF-style: chr15-29561496-G-T.
Other names: c.-12-16814C>A (NM_001387217.1, NM_001387215.1, NM_001387216.1); c.277-16814C>A (NM_001387214.1, NM_015307.2); short protein forms F138L.
Identifiers: ClinVar variation 1522743 (VCV001522743.5), dbSNP rs987727546, ClinGen allele CA268359555.